The following is an entry in ClinVar:

ClinVar aggregate classification (germline): Benign (0 of 4 stars; one submission).

Conditions:
PPP1R9A-related disorder. Also called: PPP1R9A-related condition.

Allele frequency attached by ClinVar (database versions not stated): TOPMed 0.00005; gnomAD 0.00019; gnomAD exomes 0.00041; 1000 Genomes Project 0.00100; 1000 Genomes Project 30x 0.00109.
gnomAD v4.1: 619 of 1,547,820 alleles (0.04%); highest among the groups gnomAD compares: South Asian, 0.65%; 3 homozygotes.

Submission:

PreventionGenetics, part of Exact Sciences
Classification: Benign for PPP1R9A-related condition. Last evaluated: 2019-05-15. Review status: no assertion criteria provided. Collection method: clinical testing. Allele origin: germline.
Comment: This variant is classified as benign based on ACMG/AMP sequence variant interpretation guidelines (Richards et al. 2015 PMID: 25741868, with internal and published modifications).

NM_001166160.2(PPP1R9A):c.3124+9A>C

Genes: PPP1R9A (protein phosphatase 1 regulatory subunit 9A; plus strand), LOC126860112 (CDK7 strongly-dependent group 2 enhancer GRCh37_chr7:94897970-94899169; plus strand). Cytogenetic location: 7q21.3.
Variant type: single nucleotide variant.
Coding change: c.3124+9A>C on transcript NM_001166160.2 (MANE Select); 9 bases into the intron after coding-DNA position 3124, A replaced by C.
Molecular consequence: intron variant.
Genome position (GRCh38, 1-based): chr7:95,269,516, A>C. VCF-style: chr7-95269516-A-C. GRCh37 (hg19) VCF-style: chr7-94898828-A-C.
Other names: c.2757+809A>C (NM_017650.3, NM_001166163.1); c.3058+9A>C (NM_001166162.1); c.3004+9A>C (NM_001166161.1).
Identifiers: ClinVar variation 3037786 (VCV003037786.2), dbSNP rs540951512, ClinGen allele CA4349810.